The following is an entry in ClinVar:

NM_002471.4(MYH6):c.3784C>T (p.Arg1262Cys)

Gene: MYH6 (myosin heavy chain 6; minus strand). Cytogenetic location: 14q11.2.
Variant type: single nucleotide variant.
Coding change: c.3784C>T on transcript NM_002471.4 (MANE Select); coding-DNA position 3784, C replaced by T.
Protein change: p.Arg1262Cys; replaces arginine 1262 with cysteine.
Molecular consequence: missense variant.
Genome position (GRCh38, 1-based): chr14:23,389,668, G>A on the plus strand (C>T on the coding strand, the complement: MYH6 is on the minus strand). VCF-style: chr14-23389668-G-A. GRCh37 (hg19) VCF-style: chr14-23858877-G-A.
Other names: short protein forms R1262C.
Identifiers: ClinVar variation 44490 (VCV000044490.11), dbSNP rs397516763, ClinGen allele CA134350.

ClinVar aggregate classification (germline): Uncertain significance. Review status: criteria provided, multiple submitters, no conflicts (2 of 4 stars). 3 submissions from 3 submitters: Uncertain significance (3). Last evaluated 2025-09-10.

Conditions:
Cardiovascular phenotype. Identifiers: MedGen CN230736.
Hypertrophic cardiomyopathy 14. Identifiers: MedGen C2750467, MONDO:0013197, OMIM 613251.

Allele frequency attached by ClinVar (database versions not stated): gnomAD exomes 0.00008; gnomAD 0.00005 and 0.00001; 1000 Genomes Project 30x 0.00016; TOPMed 0.00003; ExAC 0.00007; 1000 Genomes Project 0.00020.
gnomAD v4.1: 68 of 1,614,148 alleles (0.0042%); highest among the groups gnomAD compares: South Asian, 0.069%; 2 homozygotes.

Submissions (3):

Labcorp Genetics (formerly Invitae), Labcorp
Classification: Uncertain significance for Hypertrophic cardiomyopathy 14. Last evaluated: 2025-09-10. Review status: criteria provided, single submitter. Criteria: Invitae Variant Classification Sherloc (09022015). Collection method: clinical testing. Allele origin: germline.
Comment: This sequence change replaces arginine, which is basic and polar, with cysteine, which is neutral and slightly polar, at codon 1262 of the MYH6 protein (p.Arg1262Cys). This variant is present in population databases (rs397516763, gnomAD 0.06%), and has an allele count higher than expected for a pathogenic variant. This variant has not been reported in the literature in individuals affected with MYH6-related conditions. ClinVar contains an entry for this variant (Variation ID: 44490). Invitae Evidence Modeling of protein sequence and biophysical properties (such as structural, functional, and spatial information, amino acid conservation, physicochemical variation, residue mobility, and thermodynamic stability) indicates that this missense variant is not expected to disrupt MYH6 protein function with a negative predictive value of 80%. In summary, the available evidence is currently insufficient to determine the role of this variant in disease. Therefore, it has been classified as a Variant of Uncertain Significance.

Ambry Genetics
Classification: Uncertain significance for Cardiovascular phenotype. Last evaluated: 2022-12-11. Review status: criteria provided, single submitter. Criteria: Ambry General Variant Classification Scheme_2022. Collection method: clinical testing. Allele origin: germline.
Comment: The p.R1262C variant (also known as c.3784C>T), located in coding exon 25 of the MYH6 gene, results from a C to T substitution at nucleotide position 3784. The arginine at codon 1262 is replaced by cysteine, an amino acid with highly dissimilar properties. This variant was previously reported in the SNPDatabase as rs397516763. Based on data from ExAC, the T allele has an overall frequency less than 0.01% (9/106192). This amino acid position is not well conserved in available vertebrate species. In addition, this alteration is predicted to be tolerated by in silico analysis. Since supporting evidence is limited at this time, the clinical significance of this alteration remains unclear.

Laboratory for Molecular Medicine, Mass General Brigham Personalized Medicine
Classification: Uncertain significance. Last evaluated: 2012-02-14. Review status: criteria provided, single submitter. Criteria: LMM Criteria. Collection method: clinical testing. Allele origin: germline. Observed: 1 variant allele.
Comment: The Arg1262Cys variant (MYH6) has not been reported in the literature nor previo usly identified by our laboratory. Computational analyses (biochemical amino aci d properties, conservation, AlignGVGD, PolyPhen2, and SIFT) do not provide stron g support for or against an impact to the protein. Additional information is ne eded to fully assess the clinical significance of this variant.